The following is an entry in ClinVar:

NM_018896.5(CACNA1G):c.6163C>T (p.Arg2055Trp)

Gene: CACNA1G (calcium voltage-gated channel subunit alpha1 G; plus strand). Cytogenetic location: 17q21.33.
Variant type: single nucleotide variant.
Coding change: c.6163C>T on transcript NM_018896.5 (MANE Select); coding-DNA position 6163, C replaced by T.
Protein change: p.Arg2055Trp; replaces arginine 2055 with tryptophan.
Molecular consequence: missense variant. On other transcripts: non-coding transcript variant (5).
Genome position (GRCh38, 1-based): chr17:50,624,009, C>T. VCF-style: chr17-50624009-C-T. GRCh37 (hg19) VCF-style: chr17-48701370-C-T.
Other names: c.5974C>T, p.Arg1992Trp (NM_001256324.2); c.5905C>T, p.Arg1969Trp (NM_001256325.2); c.5893C>T, p.Arg1965Trp (NM_001256326.2); c.5863C>T, p.Arg1955Trp (NM_001256327.2); c.5809C>T, p.Arg1937Trp (NM_001256328.2); c.5782C>T, p.Arg1928Trp (NM_001256329.2, NM_198376.3, NM_198387.3); c.5749C>T, p.Arg1917Trp (NM_001256330.2); c.5728C>T, p.Arg1910Trp (NM_001256331.2); and 16 more; short protein forms R1905W, R1921W, R1944W, R1955W, R2010W, R1917W, R1924W, R1937W.
Identifiers: ClinVar variation 3393795 (VCV003393795.2).

ClinVar aggregate classification (germline): Uncertain significance. Review status: criteria provided, multiple submitters, no conflicts (2 of 4 stars). 2 submissions from 2 submitters: Uncertain significance (2). Last evaluated 2025-04-28.

Conditions:
Inborn genetic diseases. Identifiers: MedGen C0950123, MeSH D030342.

gnomAD v4.1: 39 of 1,612,968 alleles (0.0024%); highest among the groups gnomAD compares: Middle Eastern, 0.049%; no homozygotes.

Submissions (2):

Ambry Genetics
Classification: Uncertain significance for Inborn genetic diseases. Last evaluated: 2025-04-28. Review status: criteria provided, single submitter. Criteria: Ambry Variant Classification Scheme 2023. Collection method: clinical testing. Allele origin: germline.

GeneDx
Classification: Uncertain significance. Last evaluated: 2024-07-03. Review status: criteria provided, single submitter. Criteria: GeneDx Variant Classification Process June 2021. Collection method: clinical testing. Allele origin: germline. Affected: yes.
Comment: In silico analysis supports that this missense variant has a deleterious effect on protein structure/function; Has not been previously published as pathogenic or benign to our knowledge